The following is an entry in ClinVar:

ClinVar aggregate classification (germline): Likely pathogenic (1 of 4 stars; one submission).

Conditions:
Breast-ovarian cancer, familial, susceptibility to, 2 (BROVCA2). Also called: BRCA2 Hereditary Breast and Ovarian Cancer. Identifiers: Orphanet 145, MedGen C2675520, MONDO:0012933, OMIM 612555. Disease mechanism: loss of function.

Submission:

EVOGEN
Classification: Likely pathogenic for Breast-ovarian cancer, familial, susceptibility to, 2. Last evaluated: 2024-09-02. Review status: criteria provided, single submitter. Criteria: ACMG Guidelines, 2015. Collection method: clinical testing. Allele origin: germline. Affected: yes.
Comment: PVS1: Null variant (frame-shift) in gene BRCA2, predicted to cause NMD. Loss-of-function is a known mechanism of disease (gene has 5 493 reported pathogenic LOF variants). The exon affects 1 functional domain: UniProt protein BRCA2_HUMAN region of interest 'Interaction with RAD51'. The exon contains 2 723 pathogenic variants. The truncated region contains 3 909 pathogenic variants. PM2: Variant not found in gnomAD genomes, good gnomAD genomes coverage = 31.3. Variant not found in gnomAD exomes, good gnomAD exomes coverage = 35.7. Moscow City Health Department financial support

NM_000059.4(BRCA2):c.3316del (p.Ser1106fs)

Gene: BRCA2 (BRCA2 DNA repair associated; plus strand). Cytogenetic location: 13q13.1.
Variant type: Deletion.
Coding change: c.3316del on transcript NM_000059.4 (MANE Select); coding-DNA position 3316, one base deleted (A; older notation c.3316delA).
Protein change: p.Ser1106fs; shifts the reading frame from serine 1106.
Molecular consequence: frameshift variant. On other transcripts: non-coding transcript variant (1), intron variant (2).
Genome position (GRCh38, 1-based): chr13:32,337,671, A deleted. VCF-style (leftmost placement, unchanged base first): chr13-32337670-TA-T. GRCh37 (hg19) VCF-style: chr13-32911807-TA-T.
Other names: c.3316del, p.Ser1106fs (NM_001406719.1, NM_001406720.1, NM_001432077.1); c.1909+4284del (NM_001406721.1); c.424+6641del (NM_001406722.1); short protein forms S1106fs.
Identifiers: ClinVar variation 4690230 (VCV004690230.1).
Genomic context (GRCh38, chr13:32,337,670, plus strand): 5'-TATAACCCCTCAGATGTTATTTTCCAAGCAGGATTTTAATTCAAACCATAATTTAACACC[TA>T]GCCAAAAGGCAGAAATTACAGAACTTTCTACTATATTAGAAGAATCAGGAAGTCAGTTTG-3'